The following is an entry in ClinVar:

ClinVar aggregate classification (germline): Likely benign. Review status: criteria provided, multiple submitters, no conflicts (2 of 4 stars). 3 submissions from 3 submitters: Likely benign (3). Last evaluated 2025-10-22.

Conditions:
Hypertrophic cardiomyopathy 11. Also called: ACTC1-Related Familial Hypertrophic Cardiomyopathy. Identifiers: MedGen C2677506, MONDO:0012799, OMIM 612098.
Dilated cardiomyopathy 1R (CMD1R). Identifiers: Orphanet 154, Orphanet 54260, MedGen C3150681, MONDO:0013261, OMIM 613424.
Atrial septal defect 5 (ASD5). Identifiers: Orphanet 1478, MedGen C2748552, MONDO:0013011, OMIM 612794.
Cardiomyopathy (CMYO). Also called: Cardiomyopathies. Identifiers: Orphanet 167848, MedGen C0878544, MONDO:0004994, HP:0001638. Inheritance: Various modes of inheritance.

Submissions (3):

Mayo Clinic Laboratories, Mayo Clinic
Classification: Likely benign. Last evaluated: 2025-10-22. Review status: criteria provided, single submitter. Criteria: ACMG Guidelines, 2015. Collection method: clinical testing. Allele origin: germline. Observed: 1 variant allele.
Comment: BS1, BP4, BP7

Labcorp Genetics (formerly Invitae), Labcorp
Classification: Likely benign for Dilated cardiomyopathy 1R; Hypertrophic cardiomyopathy 11; Atrial septal defect 5. Last evaluated: 2025-10-15. Review status: criteria provided, single submitter. Criteria: Invitae Variant Classification Sherloc (09022015). Collection method: clinical testing. Allele origin: germline.

Color Diagnostics, LLC DBA Color Health
Classification: Likely benign for Cardiomyopathy. Last evaluated: 2023-11-28. Review status: criteria provided, single submitter. Criteria: ACMG Guidelines, 2015. Collection method: clinical testing. Allele origin: germline.

NM_005159.5(ACTC1):c.455-4del

Genes: GJD2-DT (GJD2 divergent transcript; plus strand), ACTC1 (actin alpha cardiac muscle 1; minus strand). Cytogenetic location: 15q14.
Variant type: Deletion.
Coding change: c.455-4del on transcript NM_005159.5 (MANE Select); 4 bases into the intron before coding-DNA position 455, one base deleted (G; older notation c.455-4delG).
Molecular consequence: intron variant.
Genome position (GRCh38, 1-based): chr15:34,792,573, C deleted on the plus strand (G on the coding strand, the reverse complement: ACTC1 is on the minus strand); the first of 3 consecutive C bases (chr15:34,792,573-34,792,575); deleting any one gives the same sequence. VCF-style (leftmost placement, unchanged base first): chr15-34792572-GC-G. GRCh37 (hg19) VCF-style: chr15-35084773-GC-G.
Other names: p.?; c.455-4del (LRG_388t1); c.455-4delG (NM_005159.4).
Identifiers: ClinVar variation 665229 (VCV000665229.10), dbSNP rs1178667520, ClinGen allele CA617555386.
Genomic context (GRCh38, chr15:34,792,572, plus strand): 5'-TAGCCCTCATAGATGGGGACATTGTGAGTTACACCATCCCCAGAGTCCAGAACAATGCCT[GC>G]CCGGGGAAGTAGACAAGAACAAGGTAAATTCCTGAGGACAACACCACTGCTCTAGCCACG-3'